The following is an entry in ClinVar:

NM_001267550.2(TTN):c.93734C>T (p.Pro31245Leu)

Genes: TTN-AS1 (TTN antisense RNA 1; plus strand), TTN (titin; minus strand). Cytogenetic location: 2q31.2.
Variant type: single nucleotide variant.
Coding change: c.93734C>T on transcript NM_001267550.2 (MANE Select); coding-DNA position 93734, C replaced by T.
Protein change: p.Pro31245Leu; replaces proline 31245 with leucine.
Molecular consequence: missense variant.
Genome position (GRCh38, 1-based): chr2:178,547,892, G>A on the plus strand (C>T on the coding strand, the complement: TTN is on the minus strand). VCF-style: chr2-178547892-G-A. GRCh37 (hg19) VCF-style: chr2-179412619-G-A.
Other names: c.88811C>T, p.Pro29604Leu (NM_001256850.1); c.66539C>T, p.Pro22180Leu (NM_003319.4); c.86030C>T, p.Pro28677Leu (NM_133378.4); c.66914C>T, p.Pro22305Leu (NM_133432.3); c.67115C>T, p.Pro22372Leu (NM_133437.4); short protein forms P31245L, P22305L, P22372L, P28677L, P22180L, P29604L.
Identifiers: ClinVar variation 1754702 (VCV001754702.2), dbSNP rs760438860, ClinGen allele CA1987254.
Genomic context (GRCh38, chr2:178,547,892, plus strand): 5'-GTAATGCTCACTCGATCTGTCTCTTTAAGTCTCATTTCTTCCAGTTTCCATGTTACTTTG[G>A]GGGCAGGACGACCACTGATTGGTACGTCAATGGTAAATGGGCTTCCTGCTTTGCAAGTTA-3'
Protein context (NP_001254479.2, residues 31235-31255): IDVPISGRPA[Pro31245Leu]KVTWKLEEMR

ClinVar aggregate classification (germline): Uncertain significance (1 of 4 stars; one submission).

Conditions:
Cardiovascular phenotype. Identifiers: MedGen CN230736.

Allele frequency attached by ClinVar (database versions not stated): ExAC 0.00003; gnomAD 0.00003.
gnomAD v4.1: 6 of 1,613,656 alleles (0.00037%); highest among the groups gnomAD compares: African/African-American, 0.0067%; no homozygotes.

Submission:

Ambry Genetics
Classification: Uncertain significance for Cardiovascular phenotype. Last evaluated: 2019-09-10. Review status: criteria provided, single submitter. Criteria: Ambry Variant Classification Scheme 2023. Collection method: clinical testing. Allele origin: germline.
Comment: The p.P22180L variant (also known as c.66539C>T), located in coding exon 166 of the TTN gene, results from a C to T substitution at nucleotide position 66539. The proline at codon 22180 is replaced by leucine, an amino acid with similar properties. This amino acid position is highly conserved in available vertebrate species. In addition, the in silico prediction for this alteration is inconclusive. Since supporting evidence is limited at this time, the clinical significance of this alteration remains unclear.